The following is an entry in ClinVar:

ClinVar aggregate classification (germline): Likely pathogenic (1 of 4 stars; one submission).

Conditions:
Developmental and epileptic encephalopathy 97 (DEE97). Identifiers: MedGen C5561999, MONDO:0030453, OMIM 619561.

Submission:

Equipe Genetique des Anomalies du Developpement, Université de Bourgogne
Classification: Likely pathogenic for Developmental and epileptic encephalopathy 97. Last evaluated: 2024-09-23. Review status: criteria provided, single submitter. Criteria: ACMG Guidelines, 2015. Collection method: clinical testing. Allele origin: de novo. Affected: yes.
Comment: The c.241_262dup p.(Gln88Argfs*10) variant is a 21 bp duplication at position 241_262,predicted to result in a frameshift and premature stop codon after 10 aa. It likely results in an absent or disrupted protein product. Missense or nonsense variants of CELF2 are reported in an autosomal dominant developmental epileptic encephalopathy (OMIM #619561 ) (PMID 34107259, 33131106). This variant is not present in population database gnomAD (v4.1.0). It has not been reported in ClinVar. It has not been reported in literature. Based on the evidence outlined above, the variant was classified as likely pathogenic.

Literature cited by the submitters: PubMed 34107259; PubMed 33131106.

NM_001326342.2(CELF2):c.241_262dup (p.Gln88fs)

Gene: CELF2 (CUGBP Elav-like family member 2; plus strand). Cytogenetic location: 10p14.
Variant type: Duplication.
Coding change: c.241_262dup on transcript NM_001326342.2 (MANE Select); coding-DNA positions 241 to 262, 22 bases duplicated (GACCGGAGTCAGAACCCTCCGC).
Protein change: p.Gln88fs; shifts the reading frame from glutamine 88.
Molecular consequence: frameshift variant. On other transcripts: 5 prime UTR variant (4).
Genome position (GRCh38, 1-based): chr10:11,165,652-11,165,673, GACCGGAGTCAGAACCCTCCGC duplicated. VCF-style (leftmost placement, unchanged base first): chr10-11165651-G-GGACCGGAGTCAGAACCCTCCGC. GRCh37 (hg19) VCF-style: chr10-11207614-G-GGACCGGAGTCAGAACCCTCCGC.
Other names: c.148_169dup, p.Gln57fs (NM_001025076.2, NM_001083591.1, NM_001326317.2 and 15 more transcripts); c.220_241dup, p.Gln81fs (NM_001025077.3, NM_001326331.2, NM_001326332.2 and 4 more transcripts); c.313_334dup, p.Gln112fs (NM_001326325.2); c.256_277dup, p.Gln93fs (NM_001326326.2, NM_001326327.2); c.-385_-364dup (NM_001326333.2); c.-31_-10dup (NM_001326338.2, NM_001326339.2); c.241_262dup, p.Gln88fs (NM_001326340.2, NM_001326341.2, NM_001326343.2 and 4 more transcripts); c.-302_-281dup (NM_001326346.2); and 1 more; short protein forms Q112fs, Q57fs, Q65fs, Q81fs, Q88fs, Q93fs.
Identifiers: ClinVar variation 3375484 (VCV003375484.2).